The following is an entry in ClinVar:

ClinVar aggregate classification (germline): Pathogenic (1 of 4 stars; one submission).

Conditions:
Neurofibromatosis, type 1 (NF1). Also called: VON RECKLINGHAUSEN DISEASE; Peripheral type neurofibromatosis; Neurofibromatosis, type I; NEUROFIBROMATOSIS, TYPE I, SOMATIC. Identifiers: Orphanet 636, MedGen C0027831, MONDO:0018975, OMIM 162200. Disease mechanism: loss of function.

Submission:

Labcorp Genetics (formerly Invitae), Labcorp
Classification: Pathogenic for Neurofibromatosis, type 1. Last evaluated: 2022-05-14. Review status: criteria provided, single submitter. Criteria: Invitae Variant Classification Sherloc (09022015). Collection method: clinical testing. Allele origin: germline.
Comment: For these reasons, this variant has been classified as Pathogenic. This variant has not been reported in the literature in individuals affected with NF1-related conditions. This variant is not present in population databases (gnomAD no frequency). This sequence change creates a premature translational stop signal (p.Gly309Cysfs*7) in the NF1 gene. It is expected to result in an absent or disrupted protein product. Loss-of-function variants in NF1 are known to be pathogenic (PMID: 10712197, 23913538).

Literature cited by the submitters: PubMed 10712197; PubMed 23913538.

NM_001042492.3(NF1):c.921_924dup (p.Gly309fs)

Gene: NF1 (neurofibromin 1; plus strand). Cytogenetic location: 17q11.2.
Variant type: Duplication.
Coding change: c.921_924dup on transcript NM_001042492.3 (MANE Select); coding-DNA positions 921 to 924, 4 bases duplicated (TGCT; older notation c.921_924dupTGCT).
Protein change: p.Gly309fs; shifts the reading frame from glycine 309.
Molecular consequence: frameshift variant.
Genome position (GRCh38, 1-based): chr17:31,200,454-31,200,457, TGCT duplicated; duplicating any 4 consecutive bases within chr17:31,200,452-31,200,457 gives the same sequence; the c. name uses the placement nearest the transcript's 3' end. VCF-style (leftmost placement, unchanged base first): chr17-31200451-T-TCTTG. GRCh37 (hg19) VCF-style: chr17-29527469-T-TCTTG.
Other names: c.921_924dup, p.Gly309Cysfs (NM_000267.4); c.921_924dup, p.Gly309fs (NM_001128147.3); short protein forms G309fs.
Identifiers: ClinVar variation 1994441 (VCV001994441.4), dbSNP rs2544793447, ClinGen allele CA2580092792.